The following is an entry in ClinVar:

NM_000057.4(BLM):c.1730G>A (p.Ser577Asn)

Gene: BLM (BLM RecQ like helicase; plus strand). Cytogenetic location: 15q26.1.
Variant type: single nucleotide variant.
Coding change: c.1730G>A on transcript NM_000057.4 (MANE Select); coding-DNA position 1730, G replaced by A.
Protein change: p.Ser577Asn; replaces serine 577 with asparagine.
Molecular consequence: missense variant.
Genome position (GRCh38, 1-based): chr15:90,761,103, G>A. VCF-style: chr15-90761103-G-A. GRCh37 (hg19) VCF-style: chr15-91304333-G-A.
Other names: c.1730G>A (NM_000057.2); c.1730G>A, p.Ser577Asn (NM_001287246.2, NM_001287247.2); c.605G>A, p.Ser202Asn (NM_001287248.2); short protein forms S577N, S202N.
Identifiers: ClinVar variation 581404 (VCV000581404.7), dbSNP rs1567041417, ClinGen allele CA393843720.

ClinVar aggregate classification (germline): Uncertain significance. Review status: criteria provided, multiple submitters, no conflicts (2 of 4 stars). 2 submissions from 2 submitters: Uncertain significance (2). Last evaluated 2025-03-19.

Conditions:
Bloom syndrome (BLM). Also called: Bloom-Torre-Machacek syndrome. Identifiers: Orphanet 125, MedGen C0005859, MONDO:0008876, OMIM 210900.
Hereditary cancer-predisposing syndrome. Also called: Neoplastic Syndromes, Hereditary; Tumor predisposition; Hereditary neoplastic syndrome; Hereditary Cancer Syndrome. Identifiers: Orphanet 140162, MedGen C0027672, MeSH D009386, MONDO:0015356.

Allele frequency attached by ClinVar (database versions not stated): gnomAD exomes below 0.00001.
gnomAD v4.1: 4 of 1,546,856 alleles (0.00026%); highest among the groups gnomAD compares: Non-Finnish European, 0.00035%; no homozygotes.

Submissions (2):

Ambry Genetics
Classification: Uncertain significance for Hereditary cancer-predisposing syndrome. Last evaluated: 2025-03-19. Review status: criteria provided, single submitter. Criteria: Ambry Variant Classification Scheme 2023. Collection method: clinical testing. Allele origin: germline.
Comment: The p.S577N variant (also known as c.1730G>A), located in coding exon 6 of the BLM gene, results from a G to A substitution at nucleotide position 1730. The serine at codon 577 is replaced by asparagine, an amino acid with highly similar properties. This amino acid position is conserved. In addition, this alteration is predicted to be tolerated by in silico analysis. Based on the available evidence, the clinical significance of this variant remains unclear.

Labcorp Genetics (formerly Invitae), Labcorp
Classification: Uncertain significance for Bloom syndrome. Last evaluated: 2021-09-01. Review status: criteria provided, single submitter. Criteria: Invitae Variant Classification Sherloc (09022015). Collection method: clinical testing. Allele origin: germline.
Comment: This sequence change replaces serine with asparagine at codon 577 of the BLM protein (p.Ser577Asn). The serine residue is weakly conserved and there is a small physicochemical difference between serine and asparagine. This variant is not present in population databases (ExAC no frequency). This variant has not been reported in the literature in individuals affected with BLM-related conditions. Algorithms developed to predict the effect of missense changes on protein structure and function output the following: SIFT: "Tolerated"; PolyPhen-2: "Benign"; Align-GVGD: "Class C0". The asparagine amino acid residue is found in multiple mammalian species, which suggests that this missense change does not adversely affect protein function. In summary, the available evidence is currently insufficient to determine the role of this variant in disease. Therefore, it has been classified as a Variant of Uncertain Significance.